The following is an entry in ClinVar:

ClinVar aggregate classification (germline): Uncertain significance. Review status: criteria provided, multiple submitters, no conflicts (2 of 4 stars). 4 submissions from 4 submitters: Uncertain significance (3). 1 of the submissions does not count toward it. Last evaluated 2025-08-18.

Conditions:
Hereditary cancer-predisposing syndrome. Also called: Hereditary neoplastic syndrome; Tumor predisposition; Hereditary Cancer Syndrome; Neoplastic Syndromes, Hereditary. Identifiers: Orphanet 140162, MedGen C0027672, MeSH D009386, MONDO:0015356.
Microcephaly, normal intelligence and immunodeficiency (NBS). Also called: BERLIN BREAKAGE SYNDROME; SEEMANOVA SYNDROME II; Ataxia telangiectasia variant V1; IMMUNODEFICIENCY, MICROCEPHALY, AND CHROMOSOMAL INSTABILITY; Immunodeficiency, microcephaly with normal intelligence; Nijmegen breakage syndrome. Identifiers: Orphanet 647, MedGen C0398791, MONDO:0009623, OMIM 251260.

gnomAD v4.1: 5 of 1,613,686 alleles (0.00031%); highest among the groups gnomAD compares: East Asian, 0.0022%; no homozygotes.

Submissions (4):

Labcorp Genetics (formerly Invitae), Labcorp
Classification: Uncertain significance for Microcephaly, normal intelligence and immunodeficiency. Last evaluated: 2025-08-18. Review status: criteria provided, single submitter. Criteria: Invitae Variant Classification Sherloc (09022015). Collection method: clinical testing. Allele origin: germline.
Comment: This sequence change replaces serine, which is neutral and polar, with asparagine, which is neutral and polar, at codon 438 of the NBN protein (p.Ser438Asn). This variant is not present in population databases (gnomAD no frequency). This variant has not been reported in the literature in individuals affected with NBN-related conditions. ClinVar contains an entry for this variant (Variation ID: 577277). An algorithm developed to predict the effect of missense changes on protein structure and function (PolyPhen-2) suggests that this variant is likely to be tolerated. In summary, the available evidence is currently insufficient to determine the role of this variant in disease. Therefore, it has been classified as a Variant of Uncertain Significance.

Ambry Genetics
Classification: Uncertain significance for Hereditary cancer-predisposing syndrome. Last evaluated: 2022-04-12. Review status: criteria provided, single submitter. Criteria: Ambry Variant Classification Scheme 2023. Collection method: clinical testing. Allele origin: germline.
Comment: The p.S438N variant (also known as c.1313G>A), located in coding exon 10 of the NBN gene, results from a G to A substitution at nucleotide position 1313. The serine at codon 438 is replaced by asparagine, an amino acid with highly similar properties. This amino acid position is poorly conserved in available vertebrate species. In addition, this alteration is predicted to be tolerated by in silico analysis. Since supporting evidence is limited at this time, the clinical significance of this alteration remains unclear.

Genome-Nilou Lab
Classification: Uncertain significance for Microcephaly, normal intelligence and immunodeficiency. Last evaluated: 2021-11-07. Review status: criteria provided, single submitter. Criteria: ACMG Guidelines, 2015. Collection method: clinical testing. Allele origin: germline. Affected: no.

Natera, Inc.
Classification: Uncertain significance for Nijmegen breakage syndrome. Last evaluated: 2021-05-19. Review status: no assertion criteria provided. Collection method: clinical testing. Allele origin: germline. Not counted in ClinVar's aggregate classification.

Literature cited by the submitters: PubMed 30287823 (cited by Ambry Genetics).

NM_002485.5(NBN):c.1313G>A (p.Ser438Asn)

Gene: NBN (nibrin; minus strand). Cytogenetic location: 8q21.3.
Variant type: single nucleotide variant.
Coding change: c.1313G>A on transcript NM_002485.5 (MANE Select); coding-DNA position 1313, G replaced by A.
Protein change: p.Ser438Asn; replaces serine 438 with asparagine.
Molecular consequence: missense variant.
Genome position (GRCh38, 1-based): chr8:89,955,367, C>T on the plus strand (G>A on the coding strand, the complement: NBN is on the minus strand). VCF-style: chr8-89955367-C-T. GRCh37 (hg19) VCF-style: chr8-90967595-C-T.
Other names: c.1067G>A, p.Ser356Asn (NM_001024688.3); short protein forms S438N, S356N.
Identifiers: ClinVar variation 577277 (VCV000577277.20), dbSNP rs786203131, ClinGen allele CA371656139.